The following is an entry in ClinVar:

NM_001035.3(RYR2):c.8849A>G (p.Lys2950Arg)

Gene: RYR2 (ryanodine receptor 2; plus strand). Cytogenetic location: 1q43.
Variant type: single nucleotide variant.
Coding change: c.8849A>G on transcript NM_001035.3 (MANE Select); coding-DNA position 8849, A replaced by G.
Protein change: p.Lys2950Arg; replaces lysine 2950 with arginine.
Molecular consequence: missense variant.
Genome position (GRCh38, 1-based): chr1:237,678,066, A>G. VCF-style: chr1-237678066-A-G. GRCh37 (hg19) VCF-style: chr1-237841366-A-G.
Other names: short protein forms K2950R.
Identifiers: ClinVar variation 2114086 (VCV002114086.5), dbSNP rs780609314, ClinGen allele CA087750.

ClinVar aggregate classification (germline): Conflicting classifications of pathogenicity. Review status: criteria provided, conflicting classifications (1 of 4 stars). 2 submissions from 2 submitters: Uncertain significance (1); Likely benign (1). Last evaluated 2025-02-23.

Conditions:
Cardiomyopathy (CMYO). Also called: Cardiomyopathies. Identifiers: Orphanet 167848, MedGen C0878544, MONDO:0004994, HP:0001638. Inheritance: Various modes of inheritance.
Catecholaminergic polymorphic ventricular tachycardia 1. Also called: VENTRICULAR TACHYCARDIA, CATECHOLAMINERGIC POLYMORPHIC, 1, WITH OR WITHOUT ATRIAL DYSFUNCTION AND/OR DILATED CARDIOMYOPATHY; RYR2-Related Catecholaminergic Polymorphic Ventricular Tachycardia; VENTRICULAR TACHYCARDIA, STRESS-INDUCED POLYMORPHIC 1. Identifiers: Orphanet 3286, MedGen C1631597, MONDO:0011484, OMIM 604772.

Allele frequency attached by ClinVar (database versions not stated): gnomAD exomes below 0.00001; ExAC 0.00001.
gnomAD v4.1: 3 of 1,604,530 alleles (0.00019%); highest among the groups gnomAD compares: East Asian, 0.0067%; no homozygotes.

Submissions (2):

Color Diagnostics, LLC DBA Color Health
Classification: Uncertain significance for Cardiomyopathy. Last evaluated: 2025-02-23. Review status: criteria provided, single submitter. Criteria: ACMG Guidelines, 2015. Collection method: clinical testing. Allele origin: germline.
Comment: This missense variant replaces lysine with arginine at codon 2950 of the RYR2 protein. Computational prediction suggests that this variant may not impact protein structure and function (internally defined REVEL score threshold <= 0.5, PMID: 27666373). To our knowledge, functional studies have not been reported for this variant. This variant has not been reported in individuals affected with RYR2-related disorders in the literature. This variant has been identified in 2/245156 chromosomes in the general population by the Genome Aggregation Database (gnomAD). The available evidence is insufficient to determine the role of this variant in disease conclusively. Therefore, this variant is classified as a Variant of Uncertain Significance.

Labcorp Genetics (formerly Invitae), Labcorp
Classification: Likely benign for Catecholaminergic polymorphic ventricular tachycardia 1. Last evaluated: 2022-03-19. Review status: criteria provided, single submitter. Criteria: Invitae Variant Classification Sherloc (09022015). Collection method: clinical testing. Allele origin: germline.